The following is an entry in ClinVar:

ClinVar aggregate classification (germline): Benign (0 of 4 stars; one submission).

Conditions:
KCNMB1-related disorder. Also called: KCNMB1-related condition.

Allele frequency attached by ClinVar (database versions not stated): ExAC 0.00673; TOPMed 0.02293; gnomAD exomes 0.00205; ESP Exome Variant Server 0.02530; gnomAD 0.02053; 1000 Genomes Project 0.02336; 1000 Genomes Project 30x 0.02452.
gnomAD v4.1: 6,230 of 1,614,238 alleles (0.39%); highest among the groups gnomAD compares: African/African-American, 7.2%; 193 homozygotes.

Submission:

PreventionGenetics, part of Exact Sciences
Classification: Benign for KCNMB1-related condition. Last evaluated: 2019-07-30. Review status: no assertion criteria provided. Collection method: clinical testing. Allele origin: germline.
Comment: This variant is classified as benign based on ACMG/AMP sequence variant interpretation guidelines (Richards et al. 2015 PMID: 25741868, with internal and published modifications).

NM_004137.4(KCNMB1):c.418C>T (p.Arg140Trp)

Genes: KCNIP1 (potassium voltage-gated channel interacting protein 1; plus strand), KCNMB1 (potassium calcium-activated channel subfamily M regulatory beta subunit 1; minus strand). Cytogenetic location: 5q35.1.
Variant type: single nucleotide variant.
Coding change: c.418C>T on transcript NM_004137.4 (MANE Select); coding-DNA position 418, C replaced by T.
Protein change: p.Arg140Trp; replaces arginine 140 with tryptophan.
Molecular consequence: missense variant. On other transcripts: intron variant (1).
Genome position (GRCh38, 1-based): chr5:170,378,862, G>A on the plus strand (C>T on the coding strand, the complement: KCNMB1 is on the minus strand). VCF-style: chr5-170378862-G-A. GRCh37 (hg19) VCF-style: chr5-169805866-G-A.
Other names: c.88+24898G>A (NM_001034838.3); short protein forms R140W.
Identifiers: ClinVar variation 3049582 (VCV003049582.2), dbSNP rs76348543, ClinGen allele CA3555989.